The following is an entry in ClinVar:

ClinVar aggregate classification (germline): Pathogenic. Review status: criteria provided, multiple submitters, no conflicts (2 of 4 stars). 2 submissions from 2 submitters: Pathogenic (2). Last evaluated 2023-03-04.

Conditions:
Hereditary cancer-predisposing syndrome. Also called: Hereditary neoplastic syndrome; Neoplastic Syndromes, Hereditary; Tumor predisposition; Hereditary Cancer Syndrome. Identifiers: Orphanet 140162, MedGen C0027672, MeSH D009386, MONDO:0015356.
Ataxia-telangiectasia syndrome (AT). Also called: Ataxia telangiectasia (A-T); LOUIS-BAR SYNDROME; Cerebello-oculocutaneous telangiectasia; Immunodeficiency with ataxia telangiectasia; Ataxia-telangiectasia, complementation group D; AT, COMPLEMENTATION GROUP C. Identifiers: Orphanet 100, MedGen C0004135, MONDO:0008840, OMIM 208900.

Submissions (2):

Labcorp Genetics (formerly Invitae), Labcorp
Classification: Pathogenic for Ataxia-telangiectasia syndrome. Last evaluated: 2023-03-04. Review status: criteria provided, single submitter. Criteria: Invitae Variant Classification Sherloc (09022015). Collection method: clinical testing. Allele origin: germline.
Comment: This sequence change creates a premature translational stop signal (p.Gln2277*) in the ATM gene. It is expected to result in an absent or disrupted protein product. Loss-of-function variants in ATM are known to be pathogenic (PMID: 23807571, 25614872). This variant is not present in population databases (gnomAD no frequency). For these reasons, this variant has been classified as Pathogenic. ClinVar contains an entry for this variant (Variation ID: 1755668). This variant has not been reported in the literature in individuals affected with ATM-related conditions.

Ambry Genetics
Classification: Pathogenic for Hereditary cancer-predisposing syndrome. Last evaluated: 2022-06-23. Review status: criteria provided, single submitter. Criteria: Ambry Variant Classification Scheme 2023. Collection method: clinical testing. Allele origin: germline.
Comment: The p.Q2277* pathogenic mutation (also known as c.6829C>T), located in coding exon 46 of the ATM gene, results from a C to T substitution at nucleotide position 6829. This changes the amino acid from a glutamine to a stop codon within coding exon 46. This variant is considered to be rare based on population cohorts in the Genome Aggregation Database (gnomAD). This alteration is expected to result in loss of function by premature protein truncation or nonsense-mediated mRNA decay. As such, this alteration is interpreted as a disease-causing mutation.

Literature cited by the submitters: PubMed 23807571 (cited by Labcorp Genetics (formerly Invitae), Labcorp); PubMed 25614872 (cited by Labcorp Genetics (formerly Invitae), Labcorp).

NM_000051.4(ATM):c.6829C>T (p.Gln2277Ter)

Genes: ATM (ATM serine/threonine kinase; plus strand), C11orf65 (chromosome 11 open reading frame 65; minus strand). Cytogenetic location: 11q22.3.
Variant type: single nucleotide variant.
Coding change: c.6829C>T on transcript NM_000051.4 (MANE Select); coding-DNA position 6829, C replaced by T.
Protein change: p.Gln2277Ter; replaces glutamine 2277 with a stop codon.
Molecular consequence: nonsense. On other transcripts: intron variant (2).
Genome position (GRCh38, 1-based): chr11:108,326,079, C>T. VCF-style: chr11-108326079-C-T. GRCh37 (hg19) VCF-style: chr11-108196806-C-T.
Other names: c.6829C>T, p.Gln2277Ter (NM_001351834.2); c.641-17008G>A (NM_001330368.2); c.*38+9141G>A (NM_001351110.2); short protein forms Q2277*.
Identifiers: ClinVar variation 1755668 (VCV001755668.5), dbSNP rs1252906835, ClinGen allele CA382556548.